The following is an entry in ClinVar:

NM_001370259.2(MEN1):c.439A>G (p.Ile147Val)

Gene: MEN1 (menin 1; minus strand). Cytogenetic location: 11q13.1.
Variant type: single nucleotide variant.
Coding change: c.439A>G on transcript NM_001370259.2 (MANE Select); coding-DNA position 439, A replaced by G.
Protein change: p.Ile147Val; replaces isoleucine 147 with valine.
Molecular consequence: missense variant. On other transcripts: non-coding transcript variant (4).
Genome position (GRCh38, 1-based): chr11:64,809,671, T>C on the plus strand (A>G on the coding strand, the complement: MEN1 is on the minus strand). VCF-style: chr11-64809671-T-C. GRCh37 (hg19) VCF-style: chr11-64577143-T-C.
Other names: c.439A>G, p.Ile147Val (NM_001407143.1, NM_001407144.1, NM_001407145.1 and 20 more transcripts); short protein forms I147V.
Identifiers: ClinVar variation 2802690 (VCV002802690.4), dbSNP rs2497255674, ClinGen allele CA381186678.
Genomic context (GRCh38, chr11:64,809,671, plus strand): 5'-GAGGGTTTTGAAGAAGTGGGTCATGGATAAGATTCCCACCTACTGGGCTCCAACCTGTGA[T>C]GAAGCTGAAGAGGGACTGGATGTGGGCCCGATCCTTGAAGTAGGAGCGGCTGAGGCTGTT-3'
Protein context (NP_001357188.2, residues 137-157): RAHIQSLFSF[Ile147Val]TGTKLDSSGV

ClinVar aggregate classification (germline): Uncertain significance. Review status: criteria provided, multiple submitters, no conflicts (2 of 4 stars). 2 submissions from 2 submitters: Uncertain significance (2). Last evaluated 2023-12-14.

Conditions:
Hereditary cancer-predisposing syndrome. Also called: Hereditary neoplastic syndrome; Neoplastic Syndromes, Hereditary; Tumor predisposition; Hereditary Cancer Syndrome. Identifiers: Orphanet 140162, MedGen C0027672, MeSH D009386, MONDO:0015356.
Multiple endocrine neoplasia, type 1 (MEN1). Also called: MEA I; MEN I; WERMER SYNDROME; Endocrine adenomatosis multiple; MEN 1. Identifiers: Orphanet 652, MedGen C0025267, MeSH D018761, MONDO:0007540, OMIM 131100.

Submissions (2):

Ambry Genetics
Classification: Uncertain significance for Hereditary cancer-predisposing syndrome. Last evaluated: 2023-12-14. Review status: criteria provided, single submitter. Criteria: Ambry Variant Classification Scheme 2023. Collection method: clinical testing. Allele origin: germline.
Comment: The p.I147V variant (also known as c.439A>G), located in coding exon 1 of the MEN1 gene, results from an A to G substitution at nucleotide position 439. The isoleucine at codon 147 is replaced by valine, an amino acid with highly similar properties. This amino acid position is conserved. In addition, the in silico prediction for this alteration is inconclusive. Since supporting evidence is limited at this time, the clinical significance of this alteration remains unclear.

Labcorp Genetics (formerly Invitae), Labcorp
Classification: Uncertain significance for Multiple endocrine neoplasia, type 1. Last evaluated: 2023-11-04. Review status: criteria provided, single submitter. Criteria: Invitae Variant Classification Sherloc (09022015). Collection method: clinical testing. Allele origin: germline.
Comment: This sequence change replaces isoleucine, which is neutral and non-polar, with valine, which is neutral and non-polar, at codon 147 of the MEN1 protein (p.Ile147Val). This variant is not present in population databases (gnomAD no frequency). This variant has not been reported in the literature in individuals affected with MEN1-related conditions. Advanced modeling of protein sequence and biophysical properties (such as structural, functional, and spatial information, amino acid conservation, physicochemical variation, residue mobility, and thermodynamic stability) performed at Invitae indicates that this missense variant is expected to disrupt MEN1 protein function with a positive predictive value of 80%. In summary, the available evidence is currently insufficient to determine the role of this variant in disease. Therefore, it has been classified as a Variant of Uncertain Significance.